The following is an entry in ClinVar:

NM_005458.8(GABBR2):c.1153A>T (p.Ile385Phe)

Gene: GABBR2 (gamma-aminobutyric acid type B receptor subunit 2; minus strand). Cytogenetic location: 9q22.33.
Variant type: single nucleotide variant.
Coding change: c.1153A>T on transcript NM_005458.8 (MANE Select); coding-DNA position 1153, A replaced by T.
Protein change: p.Ile385Phe; replaces isoleucine 385 with phenylalanine.
Molecular consequence: missense variant.
Genome position (GRCh38, 1-based): chr9:98,454,064, T>A on the plus strand (A>T on the coding strand, the complement: GABBR2 is on the minus strand). VCF-style: chr9-98454064-T-A. GRCh37 (hg19) VCF-style: chr9-101216346-T-A.
Other names: short protein forms I385F.
Identifiers: ClinVar variation 3518153 (VCV003518153.3).

ClinVar aggregate classification (germline): Uncertain significance. Review status: criteria provided, multiple submitters, no conflicts (2 of 4 stars). 2 submissions from 2 submitters: Uncertain significance (2). Last evaluated 2024-08-27.

Conditions:
Inborn genetic diseases. Identifiers: MedGen C0950123, MeSH D030342.
Epileptic encephalopathy. Identifiers: MedGen C0543888, HP:0200134.

Submissions (2):

Ambry Genetics
Classification: Uncertain significance for Inborn genetic diseases. Last evaluated: 2024-08-27. Review status: criteria provided, single submitter. Criteria: Ambry Variant Classification Scheme 2023. Collection method: clinical testing. Allele origin: germline.

Labcorp Genetics (formerly Invitae), Labcorp
Classification: Uncertain significance for Epileptic encephalopathy. Last evaluated: 2024-03-13. Review status: criteria provided, single submitter. Criteria: Invitae Variant Classification Sherloc (09022015). Collection method: clinical testing. Allele origin: germline.
Comment: This sequence change replaces isoleucine, which is neutral and non-polar, with phenylalanine, which is neutral and non-polar, at codon 385 of the GABBR2 protein (p.Ile385Phe). This variant is present in population databases (no rsID available, gnomAD 0.006%). This variant has not been reported in the literature in individuals affected with GABBR2-related conditions. Advanced modeling of protein sequence and biophysical properties (such as structural, functional, and spatial information, amino acid conservation, physicochemical variation, residue mobility, and thermodynamic stability) performed at Invitae indicates that this missense variant is not expected to disrupt GABBR2 protein function with a negative predictive value of 80%. In summary, the available evidence is currently insufficient to determine the role of this variant in disease. Therefore, it has been classified as a Variant of Uncertain Significance.